The following is an entry in ClinVar:

ClinVar aggregate classification (germline): Likely benign (1 of 4 stars; one submission).

gnomAD v4.1: 6 of 1,590,930 alleles (0.00038%); highest among the groups gnomAD compares: Non-Finnish European, 0.00051%; no homozygotes.

Submission:

CeGaT Center for Human Genetics Tuebingen
Classification: Likely benign. Last evaluated: 2022-07-01. Review status: criteria provided, single submitter. Criteria: CeGaT Center For Human Genetics Tuebingen Variant Classification Criteria Version 2. Collection method: clinical testing. Allele origin: germline. Affected: yes. Observed: 1 variant allele.
Comment: KIF11: BP4

NM_004523.4(KIF11):c.1460G>C (p.Ser487Thr)

Gene: KIF11 (kinesin family member 11; plus strand). Cytogenetic location: 10q23.33.
Variant type: single nucleotide variant.
Coding change: c.1460G>C on transcript NM_004523.4 (MANE Select); coding-DNA position 1460, G replaced by C.
Protein change: p.Ser487Thr; replaces serine 487 with threonine.
Molecular consequence: missense variant.
Genome position (GRCh38, 1-based): chr10:92,630,330, G>C. VCF-style: chr10-92630330-G-C. GRCh37 (hg19) VCF-style: chr10-94390087-G-C.
Other names: short protein forms S487T.
Identifiers: ClinVar variation 1701147 (VCV001701147.31), dbSNP rs780874784, ClinGen allele CA5604199.